The following is an entry in ClinVar:

ClinVar aggregate classification (germline): Conflicting classifications of pathogenicity. Review status: criteria provided, conflicting classifications (1 of 4 stars). 2 submissions from 2 submitters: Uncertain significance (1); Likely benign (1). Last evaluated 2025-10-27.

Conditions:
Cardiovascular phenotype. Identifiers: MedGen CN230736.
Arrhythmogenic right ventricular dysplasia 12. Also called: ARRHYTHMOGENIC RIGHT VENTRICULAR DYSPLASIA, FAMILIAL, 12. Identifiers: MedGen C1969081, MONDO:0012684, OMIM 611528.
Naxos disease (NXD). Also called: KERATOSIS PALMOPLANTARIS WITH ARRHYTHMOGENIC CARDIOMYOPATHY; MAL DE NAXOS; PALMOPLANTAR KERATODERMA WITH ARRHYTHMOGENIC RIGHT VENTRICULAR CARDIOMYOPATHY AND WOOLLY HAIR; CARDIOMYOPATHY, ARRHYTHMOGENIC RIGHT VENTRICULAR, WITH SKIN, HAIR, AND NAIL ABNORMALITIES; WOOLLY HAIR, PALMOPLANTAR KERATODERMA, AND CARDIAC ABNORMALITIES. Identifiers: Orphanet 34217, MedGen C1832600, MONDO:0011017, OMIM 601214.

Allele frequency attached by ClinVar (database versions not stated): TOPMed below 0.00001; gnomAD 0.00001; gnomAD exomes 0.00001.
gnomAD v4.1: 16 of 1,604,946 alleles (0.001%); highest among the groups gnomAD compares: South Asian, 0.0056%; no homozygotes.

Submissions (2):

Labcorp Genetics (formerly Invitae), Labcorp
Classification: Likely benign for Arrhythmogenic right ventricular dysplasia 12; Naxos disease. Last evaluated: 2025-10-27. Review status: criteria provided, single submitter. Criteria: Invitae Variant Classification Sherloc (09022015). Collection method: clinical testing. Allele origin: germline.

Ambry Genetics
Classification: Uncertain significance for Cardiovascular phenotype. Last evaluated: 2022-08-25. Review status: criteria provided, single submitter. Criteria: Ambry Variant Classification Scheme 2023. Collection method: clinical testing. Allele origin: germline.
Comment: The c.285C>T variant (also known as p.G95G), located in coding exon 2 of the JUP gene, results from a C to T substitution at nucleotide position 285. This nucleotide substitution does not change the glycine at codon 95. This nucleotide position is poorly conserved in available vertebrate species. In silico splice site analysis for this alteration is inconclusive. Since supporting evidence is limited at this time, the clinical significance of this alteration remains unclear.

NM_002230.4(JUP):c.285C>T (p.Gly95=)

Gene: JUP (junction plakoglobin; minus strand). Cytogenetic location: 17q21.2.
Variant type: single nucleotide variant.
Coding change: c.285C>T on transcript NM_002230.4 (MANE Select); coding-DNA position 285, C replaced by T.
Protein change: p.Gly95=; no amino-acid change (glycine 95 retained).
Molecular consequence: synonymous variant.
Genome position (GRCh38, 1-based): chr17:41,769,601, G>A on the plus strand (C>T on the coding strand, the complement: JUP is on the minus strand). VCF-style: chr17-41769601-G-A. GRCh37 (hg19) VCF-style: chr17-39925853-G-A.
Other names: c.285C>T, p.Gly95= (NM_001352773.2, NM_001352774.2, NM_001352775.2 and 3 more transcripts).
Identifiers: ClinVar variation 944919 (VCV000944919.10), dbSNP rs1555605900, ClinGen allele CA500207767.
Genomic context (GRCh38, chr17:41,769,601, plus strand): 5'-TCGCTGCAGGTTGGTGGCCTGCCCCTCCACCTGGGTGGCCAGCAGAAGCGAGCTGTCCTC[G>A]CCTGACACACCAGGGCACATGGCCTCCCGCACCCGTTTGGCCCTGGCTGTTGTGGACATC-3'
Protein context (NP_002221.1, residues 85-105): VREAMCPGVS[Gly95=]EDSSLLLATQ